The following is an entry in ClinVar:

NM_032242.4(PLXNA1):c.3927G>A (p.Glu1309=)

Gene: PLXNA1 (plexin A1; plus strand). Cytogenetic location: 3q21.3.
Variant type: single nucleotide variant.
Coding change: c.3927G>A on transcript NM_032242.4 (MANE Select); coding-DNA position 3927, G replaced by A.
Protein change: p.Glu1309=; no amino-acid change (glutamic acid 1309 retained).
Molecular consequence: synonymous variant.
Genome position (GRCh38, 1-based): chr3:127,020,233, G>A. VCF-style: chr3-127020233-G-A. GRCh37 (hg19) VCF-style: chr3-126739076-G-A.
Identifiers: ClinVar variation 3036628 (VCV003036628.2), dbSNP rs761885016, ClinGen allele CA2594194.

ClinVar aggregate classification (germline): Likely benign (0 of 4 stars; one submission).

Conditions:
PLXNA1-related disorder. Also called: PLXNA1-related condition.

Allele frequency attached by ClinVar (database versions not stated): gnomAD 0.00001; TOPMed 0.00001; ExAC 0.00002; gnomAD exomes 0.00007.
gnomAD v4.1: 100 of 1,613,042 alleles (0.0062%); highest among the groups gnomAD compares: Non-Finnish European, 0.0075%; no homozygotes.

Submission:

PreventionGenetics, part of Exact Sciences
Classification: Likely benign for PLXNA1-related condition. Last evaluated: 2023-08-09. Review status: no assertion criteria provided. Collection method: clinical testing. Allele origin: germline.
Comment: This variant is classified as likely benign based on ACMG/AMP sequence variant interpretation guidelines (Richards et al. 2015 PMID: 25741868, with internal and published modifications).